The following is an entry in ClinVar:

ClinVar aggregate classification (germline): Pathogenic (1 of 4 stars; one submission).

Submission:

Labcorp Genetics (formerly Invitae), Labcorp
Classification: Pathogenic. Last evaluated: 2024-12-16. Review status: criteria provided, single submitter. Criteria: Invitae Variant Classification Sherloc (09022015). Collection method: clinical testing. Allele origin: germline.
Comment: This sequence change creates a premature translational stop signal (p.Gln54*) in the TRIP4 gene. It is expected to result in an absent or disrupted protein product. Loss-of-function variants in TRIP4 are known to be pathogenic (PMID: 26924529, 27008887). This variant is not present in population databases (gnomAD no frequency). This variant has not been reported in the literature in individuals affected with TRIP4-related conditions. ClinVar contains an entry for this variant (Variation ID: 2751750). Algorithms developed to predict the effect of sequence changes on RNA splicing suggest that this variant may disrupt the consensus splice site. For these reasons, this variant has been classified as Pathogenic.

Literature cited by the submitters: PubMed 26924529; PubMed 27008887.

NM_016213.5(TRIP4):c.160C>T (p.Gln54Ter)

Gene: TRIP4 (thyroid hormone receptor interactor 4; plus strand). Cytogenetic location: 15q22.31.
Variant type: single nucleotide variant.
Coding change: c.160C>T on transcript NM_016213.5 (MANE Select); coding-DNA position 160, C replaced by T.
Protein change: p.Gln54Ter; replaces glutamine 54 with a stop codon.
Molecular consequence: nonsense. On other transcripts: 5 prime UTR variant (1), non-coding transcript variant (1).
Genome position (GRCh38, 1-based): chr15:64,394,004, C>T. VCF-style: chr15-64394004-C-T. GRCh37 (hg19) VCF-style: chr15-64686203-C-T.
Other names: c.-531C>T (NM_001321924.2); short protein forms Q54*.
Identifiers: ClinVar variation 2751750 (VCV002751750.3), dbSNP rs2505403157, ClinGen allele CA393194238.